The following is an entry in ClinVar:

NC_000001.10:g.(?_24151826)_(24151905_?)del

Gene: HMGCL (3-hydroxy-3-methylglutaryl-CoA lyase; minus strand). Cytogenetic location: 1p36.11.
Variant type: Deletion.
Identifiers: ClinVar variation 3247674 (VCV003247674.1).

ClinVar aggregate classification (germline): Pathogenic (1 of 4 stars; one submission).

Conditions:
Deficiency of hydroxymethylglutaryl-CoA lyase (HMGCLD). Also called: HMG-CoA LYASE DEFICIENCY; Defect in leucine metabolism; 3-hydroxy-3-methylglutaric aciduria; HMGCL DEFICIENCY; HYDROXYMETHYLGLUTARIC ACIDURIA. Identifiers: Orphanet 20, MedGen C1533587, MONDO:0009520, OMIM 246450.

Submission:

Labcorp Genetics (formerly Invitae), Labcorp
Classification: Pathogenic for Deficiency of hydroxymethylglutaryl-CoA lyase. Last evaluated: 2023-12-19. Review status: criteria provided, single submitter. Criteria: Invitae Variant Classification Sherloc (09022015). Collection method: clinical testing. Allele origin: unknown.
Comment: This variant is a gross deletion of the genomic region encompassing exon(s) 1 of the HMGCL gene, which includes the initiator codon. This deletion extends beyond the assayed region for this gene and therefore may encompass additional genes. It is expected to result in an absent or disrupted protein product. Loss-of-function variants in HMGCL are known to be pathogenic (PMID: 9817922, 17692550, 23465862). This variant has not been reported in the literature in individuals affected with HMGCL-related conditions. For these reasons, this variant has been classified as Pathogenic.

Literature cited by the submitters: PubMed 9817922; PubMed 17692550; PubMed 23465862.